The following is an entry in ClinVar:

ClinVar aggregate classification (germline): Conflicting classifications of pathogenicity. Review status: criteria provided, conflicting classifications (1 of 4 stars). 2 submissions from 2 submitters: Uncertain significance (1); Likely benign (1). Last evaluated 2024-07-16.

Conditions:
Hereditary breast ovarian cancer syndrome. Also called: Breast and ovarian cancer; Hereditary breast and ovarian cancer syndrome; BRCA1- and BRCA2-Associated Hereditary Breast and Ovarian Cancer; Hereditary breast and ovarian cancer syndrome (HBOC); Hereditary breast and/or ovarian cancer syndrome; Hereditary breast and ovarian cancer. Identifiers: Orphanet 145, MedGen C0677776, MeSH D061325, MONDO:0003582. Disease mechanism: loss of function.
Hereditary cancer-predisposing syndrome. Also called: Neoplastic Syndromes, Hereditary; Hereditary neoplastic syndrome; Tumor predisposition; Hereditary Cancer Syndrome. Identifiers: Orphanet 140162, MedGen C0027672, MeSH D009386, MONDO:0015356.

Submissions (2):

Labcorp Genetics (formerly Invitae), Labcorp
Classification: Uncertain significance for Hereditary breast ovarian cancer syndrome. Last evaluated: 2024-07-16. Review status: criteria provided, single submitter. Criteria: Invitae Variant Classification Sherloc (09022015). Collection method: clinical testing. Allele origin: germline.
Comment: This sequence change replaces threonine, which is neutral and polar, with isoleucine, which is neutral and non-polar, at codon 1679 of the BRCA2 protein (p.Thr1679Ile). This variant is not present in population databases (gnomAD no frequency). This missense change has been observed in individual(s) with breast cancer (PMID: 14722926). ClinVar contains an entry for this variant (Variation ID: 1998158). Advanced modeling of protein sequence and biophysical properties (such as structural, functional, and spatial information, amino acid conservation, physicochemical variation, residue mobility, and thermodynamic stability) performed at Invitae indicates that this missense variant is not expected to disrupt BRCA2 protein function with a negative predictive value of 95%. In summary, the available evidence is currently insufficient to determine the role of this variant in disease. Therefore, it has been classified as a Variant of Uncertain Significance.

University of Washington Department of Laboratory Medicine, University of Washington
Classification: Likely benign for Hereditary cancer-predisposing syndrome. Last evaluated: 2023-03-23. Review status: criteria provided, single submitter. Criteria: Dines et al. (Genet Med. 2020). Collection method: curation. Allele origin: germline.
Comment: Missense variant in a coldspot region where missense variants are very unlikely to be pathogenic (PMID:31911673).

BRCA2 exon 11 coldspot. Reclassification based on statistical prior probability.

Literature cited by the submitters: PubMed 14722926 (cited by Labcorp Genetics (formerly Invitae), Labcorp).

NM_000059.4(BRCA2):c.5036C>T (p.Thr1679Ile)

Gene: BRCA2 (BRCA2 DNA repair associated; plus strand). Cytogenetic location: 13q13.1.
Variant type: single nucleotide variant.
Coding change: c.5036C>T on transcript NM_000059.4 (MANE Select); coding-DNA position 5036, C replaced by T.
Protein change: p.Thr1679Ile; replaces threonine 1679 with isoleucine.
Molecular consequence: missense variant.
Genome position (GRCh38, 1-based): chr13:32,339,391, C>T. VCF-style: chr13-32339391-C-T. GRCh37 (hg19) VCF-style: chr13-32913528-C-T.
Other names: c.5036C>T, p.Thr1679Ile (NM_001406719.1, NM_001406720.1); short protein forms T1679I.
Identifiers: ClinVar variation 1998158 (VCV001998158.6), dbSNP rs1593904210, ClinGen allele CA387783993.
Genomic context (GRCh38, chr13:32,339,391, plus strand): 5'-CCCCTTATTCAGTCATTGAAAATTCAGCCTTAGCTTTTTACACAAGTTGTAGTAGAAAAA[C>T]TTCTGTGAGTCAGACTTCATTACTTGAAGCAAAAAAATGGCTTAGAGAAGGAATATTTGA-3'
Protein context (NP_000050.3, residues 1669-1689): LAFYTSCSRK[Thr1679Ile]SVSQTSLLEA